The following is an entry in ClinVar:

ClinVar aggregate classification (germline): Uncertain significance (1 of 4 stars; one submission).

Conditions:
Aortic aneurysm, familial thoracic 4 (AAT4). Also called: AORTIC ANEURYSM/AORTIC DISSECTION AND PATENT DUCTUS ARTERIOSUS. Identifiers: MedGen C1851504, MONDO:0007568, OMIM 132900.

Submission:

Labcorp Genetics (formerly Invitae), Labcorp
Classification: Uncertain significance for Aortic aneurysm, familial thoracic 4. Last evaluated: 2023-08-29. Review status: criteria provided, single submitter. Criteria: Invitae Variant Classification Sherloc (09022015). Collection method: clinical testing. Allele origin: germline.
Comment: In summary, the available evidence is currently insufficient to determine the role of this variant in disease. Therefore, it has been classified as a Variant of Uncertain Significance. Advanced modeling of protein sequence and biophysical properties (such as structural, functional, and spatial information, amino acid conservation, physicochemical variation, residue mobility, and thermodynamic stability) performed at Invitae indicates that this missense variant is not expected to disrupt MYH11 protein function. This variant has not been reported in the literature in individuals affected with MYH11-related conditions. This variant is not present in population databases (gnomAD no frequency). This sequence change replaces aspartic acid, which is acidic and polar, with glycine, which is neutral and non-polar, at codon 578 of the MYH11 protein (p.Asp578Gly).

NM_002474.3(MYH11):c.1712A>G (p.Asp571Gly)

Gene: MYH11 (myosin heavy chain 11; minus strand). Cytogenetic location: 16p13.11.
Variant type: single nucleotide variant.
Coding change: c.1712A>G on transcript NM_002474.3 (MANE Select); coding-DNA position 1712, A replaced by G.
Protein change: p.Asp571Gly; replaces aspartic acid 571 with glycine.
Molecular consequence: missense variant.
Genome position (GRCh38, 1-based): chr16:15,756,378, T>C on the plus strand (A>G on the coding strand, the complement: MYH11 is on the minus strand). VCF-style: chr16-15756378-T-C. GRCh37 (hg19) VCF-style: chr16-15850235-T-C.
Other names: c.1733A>G, p.Asp578Gly (NM_001040113.2, NM_001040114.2); c.1712A>G, p.Asp571Gly (NM_022844.3); short protein forms D571G, D578G.
Identifiers: ClinVar variation 2814425 (VCV002814425.3), dbSNP rs2041716956, ClinGen allele CA394870313.